The following is an entry in ClinVar:

NM_170707.4(LMNA):c.212G>C (p.Ser71Thr)

Gene: LMNA (lamin A/C; plus strand). Cytogenetic location: 1q22.
Variant type: single nucleotide variant.
Coding change: c.212G>C on transcript NM_170707.4 (MANE Select); coding-DNA position 212, G replaced by C.
Protein change: p.Ser71Thr; replaces serine 71 with threonine.
Molecular consequence: missense variant. On other transcripts: 5 prime UTR variant (8), intron variant (2).
Genome position (GRCh38, 1-based): chr1:156,115,130, G>C. VCF-style: chr1-156115130-G-C. GRCh37 (hg19) VCF-style: chr1-156084921-G-C.
Other names: c.212G>C, p.Ser71Thr (NM_001282625.2, NM_001282626.2, NM_001406983.1 and 6 more transcripts); c.-212G>C (NM_001406986.1); c.-190G>C (NM_001406990.1, NM_001406995.1, NM_001407002.1); c.-453G>C (NM_001406994.1, NM_001407000.1); c.-633G>C (NM_001406999.1); c.-296G>C (NM_001407001.1); c.-203+8307G>C (NM_001406993.1, NM_001407003.1); short protein forms S71T.
Identifiers: ClinVar variation 2865181 (VCV002865181.4), dbSNP rs2527832739, ClinGen allele CA342808270.

ClinVar aggregate classification (germline): Uncertain significance. Review status: criteria provided, multiple submitters, no conflicts (2 of 4 stars). 2 submissions from 2 submitters: Uncertain significance (2). Last evaluated 2026-08-24.

Conditions:
Charcot-Marie-Tooth disease type 2. Also called: Charcot-Marie-Tooth type 2. Identifiers: Orphanet 64746, MedGen C0270914, MONDO:0018993.
Cardiovascular phenotype. Identifiers: MedGen CN230736.

Submissions (2):

Ambry Genetics
Classification: Uncertain significance for Cardiovascular phenotype. Last evaluated: 2026-08-24. Review status: criteria provided, single submitter. Criteria: Ambry Variant Classification Scheme 2023. Collection method: clinical testing. Allele origin: germline.
Comment: The p.S71T variant (also known as c.212G>C), located in coding exon 1 of the LMNA gene, results from a G to C substitution at nucleotide position 212. The serine at codon 71 is replaced by threonine, an amino acid with similar properties. This amino acid position is conserved. In addition, this alteration is predicted to be tolerated by in silico analysis. Based on the available evidence, the clinical significance of this variant remains unclear.

Labcorp Genetics (formerly Invitae), Labcorp
Classification: Uncertain significance for Charcot-Marie-Tooth disease type 2. Last evaluated: 2025-07-29. Review status: criteria provided, single submitter. Criteria: Invitae Variant Classification Sherloc (09022015). Collection method: clinical testing. Allele origin: germline.
Comment: This sequence change replaces serine, which is neutral and polar, with threonine, which is neutral and polar, at codon 71 of the LMNA protein (p.Ser71Thr). This variant is not present in population databases (gnomAD no frequency). This variant has not been reported in the literature in individuals affected with LMNA-related conditions. ClinVar contains an entry for this variant (Variation ID: 2865181). Invitae Evidence Modeling of protein sequence and biophysical properties (such as structural, functional, and spatial information, amino acid conservation, physicochemical variation, residue mobility, and thermodynamic stability) indicates that this missense variant is expected to disrupt LMNA protein function with a positive predictive value of 95%. In summary, the available evidence is currently insufficient to determine the role of this variant in disease. Therefore, it has been classified as a Variant of Uncertain Significance.